The following is an entry in ClinVar:

ClinVar aggregate classification (germline): Benign (1 of 4 stars; one submission).

Conditions:
Leigh syndrome (NULS). Also called: Leigh's necrotizing encephalopathy; Leigh's disease; Leigh Syndrome (mtDNA deletion); Leigh Disease; Subacute necrotizing encephalopathy; Necrotizing encephalopathy infantile subacute of Leigh. Identifiers: Orphanet 506, MedGen C2931891, MONDO:0009723, OMIM 256000.

Submission:

Wong Mito Lab, Molecular and Human Genetics, Baylor College of Medicine
Classification: Benign for Leigh syndrome. Last evaluated: 2019-10-17. Review status: criteria provided, single submitter. Criteria: Modified ACMG Guidelines (Unpublished). Collection method: clinical testing. Allele origin: germline.
Comment: The NC_012920.1:m.9468A>G (YP_003024032.1:p.Thr88Ala) variant in MTCO3 gene is interpretated to be a Benign variant based on the modified ACMG guidelines (unpublished). This variant meets the following evidence codes: BS1, BS2, BP4

NC_012920.1(MT-CO3):m.9468A>G

Gene: MT-CO3 (mitochondrially encoded cytochrome c oxidase III; plus strand).
Variant type: single nucleotide variant.
Genome position: chrM-9468-A-G.
Identifiers: ClinVar variation 693167 (VCV000693167.1), dbSNP rs879015841, ClinGen allele CA337098413.